The following is an entry in ClinVar:

NM_014629.4(ARHGEF10):c.955C>G (p.Leu319Val)

Gene: ARHGEF10 (Rho guanine nucleotide exchange factor 10; plus strand). Cytogenetic location: 8p23.3.
Variant type: single nucleotide variant.
Coding change: c.955C>G on transcript NM_014629.4 (MANE Select); coding-DNA position 955, C replaced by G.
Protein change: p.Leu319Val; replaces leucine 319 with valine.
Molecular consequence: missense variant. On other transcripts: intron variant (1).
Genome position (GRCh38, 1-based): chr8:1,880,159, C>G. VCF-style: chr8-1880159-C-G. GRCh37 (hg19) VCF-style: chr8-1828325-C-G.
Other names: c.958C>G, p.Leu320Val (NM_001308153.3); c.847-2476C>G (NM_001308152.2); short protein forms L344V, L319V, L320V.
Identifiers: ClinVar variation 2983618 (VCV002983618.3), dbSNP rs1808058989, ClinGen allele CA369956639.

ClinVar aggregate classification (germline): Uncertain significance (1 of 4 stars; one submission).

gnomAD v4.1: 1 of 1,611,948 alleles (0.000062%); highest among the groups gnomAD compares: Non-Finnish European, 0.000085%; no homozygotes.

Submission:

Labcorp Genetics (formerly Invitae), Labcorp
Classification: Uncertain significance. Last evaluated: 2023-08-09. Review status: criteria provided, single submitter. Criteria: Invitae Variant Classification Sherloc (09022015). Collection method: clinical testing. Allele origin: germline.
Comment: In summary, the available evidence is currently insufficient to determine the role of this variant in disease. Therefore, it has been classified as a Variant of Uncertain Significance. An algorithm developed to predict the effect of missense changes on protein structure and function (PolyPhen-2) suggests that this variant is likely to be tolerated. This variant has not been reported in the literature in individuals affected with ARHGEF10-related conditions. This variant is not present in population databases (gnomAD no frequency). This sequence change replaces leucine, which is neutral and non-polar, with valine, which is neutral and non-polar, at codon 319 of the ARHGEF10 protein (p.Leu319Val).